The following is an entry in ClinVar:

NM_006231.4(POLE):c.5669_5671dup (p.Ile1890dup)

Gene: POLE (DNA polymerase epsilon, catalytic subunit; minus strand). Cytogenetic location: 12q24.33.
Variant type: Duplication.
Coding change: c.5669_5671dup on transcript NM_006231.4 (MANE Select); coding-DNA positions 5669 to 5671, 3 bases duplicated (TCA; older notation c.5669_5671dupTCA).
Protein change: p.Ile1890dup; duplicates isoleucine 1890.
Molecular consequence: inframe insertion.
Genome position (GRCh38, 1-based): chr12:132,638,021-132,638,023, TGA duplicated on the plus strand (TCA on the coding strand, the reverse complement: POLE is on the minus strand); duplicating any 3 consecutive bases within chr12:132,638,021-132,638,025 gives the same sequence; the c. name uses the placement nearest the transcript's 3' end. VCF-style (leftmost placement, unchanged base first): chr12-132638020-G-GTGA. GRCh37 (hg19) VCF-style: chr12-133214606-G-GTGA.
Identifiers: ClinVar variation 1380382 (VCV001380382.8), dbSNP rs2138500028, ClinGen allele CA2573148074.
Genomic context (GRCh38, chr12:132,638,020, plus strand): 5'-TTAGCATCCCTCTCAAAGCCACAGTGCTGCGTCACCAGGACCAGCCAGCCGCACCTGCTG[G>GTGA]TGATGTACTCCACGTAAGCGATGGCATCTTCCACACGGCGCTTCTTTGTACAGAGGATGA-3'

ClinVar aggregate classification (germline): Uncertain significance (1 of 4 stars; one submission).

Submission:

Labcorp Genetics (formerly Invitae), Labcorp
Classification: Uncertain significance. Last evaluated: 2021-07-08. Review status: criteria provided, single submitter. Criteria: Invitae Variant Classification Sherloc (09022015). Collection method: clinical testing. Allele origin: germline.
Comment: This variant, c.5669_5671dup, results in the insertion of 1 amino acid(s) to the POLE protein (p.Ile1890dup), but otherwise preserves the integrity of the reading frame. This variant is not present in population databases (ExAC no frequency). This variant has not been reported in the literature in individuals affected with POLE-related conditions. Experimental studies and prediction algorithms are not available or were not evaluated, and the functional significance of this variant is currently unknown. In summary, the available evidence is currently insufficient to determine the role of this variant in disease. Therefore, it has been classified as a Variant of Uncertain Significance.